The following is an entry in ClinVar:

NM_198994.3(TGM6):c.553G>A (p.Asp185Asn)

Gene: TGM6 (transglutaminase 6; plus strand). Cytogenetic location: 20p13.
Variant type: single nucleotide variant.
Coding change: c.553G>A on transcript NM_198994.3 (MANE Select); coding-DNA position 553, G replaced by A.
Protein change: p.Asp185Asn; replaces aspartic acid 185 with asparagine.
Molecular consequence: missense variant.
Genome position (GRCh38, 1-based): chr20:2,397,927, G>A. VCF-style: chr20-2397927-G-A. GRCh37 (hg19) VCF-style: chr20-2378573-G-A.
Other names: c.553G>A, p.Asp185Asn (NM_001254734.2); short protein forms D185N.
Identifiers: ClinVar variation 3372174 (VCV003372174.1).

ClinVar aggregate classification (germline): Uncertain significance (1 of 4 stars; one submission).

Submission:

GeneDx
Classification: Uncertain significance. Last evaluated: 2024-04-07. Review status: criteria provided, single submitter. Criteria: GeneDx Variant Classification Process June 2021. Collection method: clinical testing. Allele origin: germline. Affected: yes.
Comment: Not observed at significant frequency in large population cohorts (gnomAD); In silico analysis indicates that this missense variant does not alter protein structure/function; Has not been previously published as pathogenic or benign to our knowledge